The following is an entry in ClinVar:

ClinVar aggregate classification (germline): Benign. Review status: criteria provided, multiple submitters, no conflicts (2 of 4 stars). 2 submissions from 2 submitters: Benign (2). Last evaluated 2018-06-14.

Allele frequency attached by ClinVar (database versions not stated): gnomAD 0.63321 and 0.64138; TOPMed 0.65055; 1000 Genomes Project 30x 0.72751; 1000 Genomes Project 0.72903.
gnomAD v4.1: 97,365 of 152,098 alleles (64%); highest among the groups gnomAD compares: East Asian, 94%; 31,772 homozygotes.

Submissions (2):

GeneDx
Classification: Benign. Last evaluated: 2018-06-14. Review status: criteria provided, single submitter. Criteria: GeneDx Variant Classification (06012015). Collection method: clinical testing. Allele origin: germline. Affected: yes.
Comment: This variant is considered likely benign or benign based on one or more of the following criteria: it is a conservative change, it occurs at a poorly conserved position in the protein, it is predicted to be benign by multiple in silico algorithms, and/or has population frequency not consistent with disease.

Breakthrough Genomics
Classification: Benign. Review status: criteria provided, single submitter. Criteria: ACMG Guidelines, 2015. Collection method: not provided. Allele origin: germline. Inheritance: Autosomal recessive inheritance. Affected: yes.

NM_006005.3(WFS1):c.631+256T>C

Gene: WFS1 (wolframin ER transmembrane glycoprotein; plus strand). Cytogenetic location: 4p16.1.
Variant type: single nucleotide variant.
Coding change: c.631+256T>C on transcript NM_006005.3 (MANE Select); 256 bases into the intron after coding-DNA position 631, T replaced by C.
Molecular consequence: intron variant.
Genome position (GRCh38, 1-based): chr4:6,291,623, T>C. VCF-style: chr4-6291623-T-C. GRCh37 (hg19) VCF-style: chr4-6293350-T-C.
Other names: c.631+256T>C (NM_001145853.1).
Identifiers: ClinVar variation 684342 (VCV000684342.2), dbSNP rs10012946, ClinGen allele CA11634619.